The following is an entry in ClinVar:

ClinVar aggregate classification (germline): Uncertain significance (1 of 4 stars; one submission).

Conditions:
Fanconi anemia (FA). Also called: Fanconi's anemia. Identifiers: Orphanet 84, MedGen C0015625, MeSH D005199, MONDO:0019391.

gnomAD v4.1: 3 of 1,603,434 alleles (0.00019%); highest among the groups gnomAD compares: African/African-American, 0.0013%; no homozygotes.

Submission:

Labcorp Genetics (formerly Invitae), Labcorp
Classification: Uncertain significance for Fanconi anemia. Last evaluated: 2024-09-21. Review status: criteria provided, single submitter. Criteria: Invitae Variant Classification Sherloc (09022015). Collection method: clinical testing. Allele origin: germline.
Comment: This sequence change replaces asparagine, which is neutral and polar, with aspartic acid, which is acidic and polar, at codon 414 of the FANCM protein (p.Asn414Asp). This variant is not present in population databases (gnomAD no frequency). This variant has not been reported in the literature in individuals affected with FANCM-related conditions. An algorithm developed to predict the effect of missense changes on protein structure and function outputs the following: PolyPhen-2: "Benign". The aspartic acid amino acid residue is found in multiple mammalian species, which suggests that this missense change does not adversely affect protein function. In summary, the available evidence is currently insufficient to determine the role of this variant in disease. Therefore, it has been classified as a Variant of Uncertain Significance.

NM_020937.4(FANCM):c.1240A>G (p.Asn414Asp)

Gene: FANCM (FA complementation group M; plus strand). Cytogenetic location: 14q21.2.
Variant type: single nucleotide variant.
Coding change: c.1240A>G on transcript NM_020937.4 (MANE Select); coding-DNA position 1240, A replaced by G.
Protein change: p.Asn414Asp; replaces asparagine 414 with aspartic acid.
Molecular consequence: missense variant.
Genome position (GRCh38, 1-based): chr14:45,154,753, A>G. VCF-style: chr14-45154753-A-G. GRCh37 (hg19) VCF-style: chr14-45623956-A-G.
Other names: c.1162A>G, p.Asn388Asp (NM_001308133.2); c.1240A>G, p.Asn414Asp (NM_001308134.2); short protein forms N414D, N388D.
Identifiers: ClinVar variation 3709604 (VCV003709604.2).
Genomic context (GRCh38, chr14:45,154,753, plus strand): 5'-GAAGGGATGACACGGTCAAAAAATGAACTTGGCCGAAATGAAGACTTCATGAAACTCTAT[A>G]ATCATCTAGAGTGTATGTTTGCACGTACACGTAGTACTTCAGCAAATGGTATTTCTGCTA-3'
Protein context (NP_065988.1, residues 404-424): GRNEDFMKLY[Asn414Asp]HLECMFARTR